The following is an entry in ClinVar:

ClinVar aggregate classification (germline): Uncertain significance (0 of 4 stars; one submission).

Conditions:
RIMS1-related disorder. Also called: RIMS1-related condition.

Allele frequency attached by ClinVar (database versions not stated): TOPMed below 0.00001.

Submission:

PreventionGenetics, part of Exact Sciences
Classification: Uncertain significance for RIMS1-related condition. Last evaluated: 2023-12-28. Review status: no assertion criteria provided. Collection method: clinical testing. Allele origin: germline.
Comment: The RIMS1 c.1034A>G variant is predicted to result in the amino acid substitution p.Gln345Arg. To our knowledge, this variant has not been reported in the literature. This variant is reported in 0.0050% of alleles in individuals of European (Finnish) descent in gnomAD. At this time, the clinical significance of this variant is uncertain due to the absence of conclusive functional and genetic evidence.

NM_014989.7(RIMS1):c.1034A>G (p.Gln345Arg)

Gene: RIMS1 (regulating synaptic membrane exocytosis 1; plus strand). Cytogenetic location: 6q13.
Variant type: single nucleotide variant.
Coding change: c.1034A>G on transcript NM_014989.7 (MANE Select); coding-DNA position 1034, A replaced by G.
Protein change: p.Gln345Arg; replaces glutamine 345 with arginine.
Molecular consequence: missense variant.
Genome position (GRCh38, 1-based): chr6:72,182,505, A>G. VCF-style: chr6-72182505-A-G. GRCh37 (hg19) VCF-style: chr6-72892208-A-G.
Other names: short protein forms Q345R.
Identifiers: ClinVar variation 3056237 (VCV003056237.2), dbSNP rs548068627, ClinGen allele CA141417505.